The following is an entry in ClinVar:

NM_001035235.4(SRA1):c.58C>G (p.Gln20Glu)

Gene: SRA1 (steroid receptor RNA activator 1; minus strand). Cytogenetic location: 5q31.3.
Variant type: single nucleotide variant.
Coding change: c.58C>G on transcript NM_001035235.4 (MANE Select); coding-DNA position 58, C replaced by G.
Protein change: p.Gln20Glu; replaces glutamine 20 with glutamic acid.
Molecular consequence: missense variant. On other transcripts: synonymous variant (1), non-coding transcript variant (2).
Genome position (GRCh38, 1-based): chr5:140,557,240, G>C on the plus strand (C>G on the coding strand, the complement: SRA1 is on the minus strand). VCF-style: chr5-140557240-G-C. GRCh37 (hg19) VCF-style: chr5-139936825-G-C.
Other names: c.213C>G, p.Arg71= (NM_001253764.2); c.94C>G (NM_001035235.3); short protein forms Q20E.
Identifiers: ClinVar variation 1335598 (VCV001335598.41), dbSNP rs35610885, ClinGen allele CA3440738.

ClinVar aggregate classification (germline): Benign. Review status: criteria provided, multiple submitters, no conflicts (2 of 4 stars). 3 submissions from 3 submitters: Benign (2). 1 of the submissions does not count toward it. Last evaluated 2026-01-14.

Conditions:
SRA1-related disorder. Also called: SRA1-related condition.

Allele frequency attached by ClinVar (database versions not stated): 1000 Genomes Project 0.00319; 1000 Genomes Project 30x 0.00328; TOPMed 0.00515; ESP Exome Variant Server 0.00523; gnomAD 0.00594 and 0.00597; ExAC 0.00709; gnomAD exomes 0.00715 and 0.00805.

Submissions (3):

Labcorp Genetics (formerly Invitae), Labcorp
Classification: Benign. Last evaluated: 2026-01-14. Review status: criteria provided, single submitter. Criteria: Invitae Variant Classification Sherloc (09022015). Collection method: clinical testing. Allele origin: germline.

CeGaT Center for Human Genetics Tuebingen
Classification: Benign. Last evaluated: 2025-12-01. Review status: criteria provided, single submitter. Criteria: CeGaT Center For Human Genetics Tuebingen Variant Classification Criteria Version 2. Collection method: clinical testing. Allele origin: germline. Affected: yes. Observed: 5 variant alleles.
Comment: SRA1: BP4, BS1, BS2

PreventionGenetics, part of Exact Sciences
Classification: Likely benign for SRA1-related condition. Last evaluated: 2020-02-05. Review status: no assertion criteria provided. Collection method: clinical testing. Allele origin: germline. Not counted in ClinVar's aggregate classification.
Comment: This variant is classified as likely benign based on ACMG/AMP sequence variant interpretation guidelines (Richards et al. 2015 PMID: 25741868, with internal and published modifications).